The following is an entry in ClinVar:

ClinVar aggregate classification (germline): Uncertain significance. Review status: criteria provided, multiple submitters, no conflicts (2 of 4 stars). 2 submissions from 2 submitters: Uncertain significance (2). Last evaluated 2025-04-03.

Conditions:
Inborn genetic diseases. Identifiers: MedGen C0950123, MeSH D030342.

Allele frequency attached by ClinVar (database versions not stated): gnomAD 0.00002; gnomAD exomes 0.00002; TOPMed 0.00003; ExAC 0.00004; ESP Exome Variant Server 0.00008.
gnomAD v4.1: 34 of 1,603,216 alleles (0.0021%); highest among the groups gnomAD compares: East Asian, 0.022%; no homozygotes.

Submissions (2):

Ambry Genetics
Classification: Uncertain significance for Inborn genetic diseases. Last evaluated: 2025-04-03. Review status: criteria provided, single submitter. Criteria: Ambry Variant Classification Scheme 2023. Collection method: clinical testing. Allele origin: germline.

Labcorp Genetics (formerly Invitae), Labcorp
Classification: Uncertain significance. Last evaluated: 2022-06-13. Review status: criteria provided, single submitter. Criteria: Invitae Variant Classification Sherloc (09022015). Collection method: clinical testing. Allele origin: germline.
Comment: In summary, the available evidence is currently insufficient to determine the role of this variant in disease. Therefore, it has been classified as a Variant of Uncertain Significance. Algorithms developed to predict the effect of missense changes on protein structure and function are either unavailable or do not agree on the potential impact of this missense change (SIFT: "Tolerated"; PolyPhen-2: "Possibly Damaging"; Align-GVGD: "Class C0"). This variant has not been reported in the literature in individuals affected with LRRK1-related conditions. This variant is present in population databases (rs371594206, gnomAD 0.005%). This sequence change replaces valine, which is neutral and non-polar, with methionine, which is neutral and non-polar, at codon 1964 of the LRRK1 protein (p.Val1964Met).

NM_024652.6(LRRK1):c.5890G>A (p.Val1964Met)

Genes: LRRK1 (leucine rich repeat kinase 1; plus strand), LRRK1-AS1 (LRRK1 antisense RNA 1; minus strand). Cytogenetic location: 15q26.3.
Variant type: single nucleotide variant.
Coding change: c.5890G>A on transcript NM_024652.6 (MANE Select); coding-DNA position 5890, G replaced by A.
Protein change: p.Val1964Met; replaces valine 1964 with methionine.
Molecular consequence: missense variant.
Genome position (GRCh38, 1-based): chr15:101,068,690, G>A. VCF-style: chr15-101068690-G-A. GRCh37 (hg19) VCF-style: chr15-101608895-G-A.
Other names: c.5890G>A (NM_024652.3); short protein forms V1964M.
Identifiers: ClinVar variation 1420495 (VCV001420495.10), dbSNP rs371594206, ClinGen allele CA7762305.